The following is an entry in ClinVar:

ClinVar aggregate classification (germline): Uncertain significance (1 of 4 stars; one submission).

Allele frequency attached by ClinVar (database versions not stated): TOPMed below 0.00001; ExAC 0.00001.
gnomAD v4.1: 2 of 1,611,824 alleles (0.00012%); highest among the groups gnomAD compares: Admixed American, 0.0033%; no homozygotes.

Submission:

Labcorp Genetics (formerly Invitae), Labcorp
Classification: Uncertain significance. Last evaluated: 2022-08-21. Review status: criteria provided, single submitter. Criteria: Invitae Variant Classification Sherloc (09022015). Collection method: clinical testing. Allele origin: germline.
Comment: This sequence change falls in intron 18 of the USH2A gene. It does not directly change the encoded amino acid sequence of the USH2A protein. This variant is present in population databases (rs771412392, gnomAD 0.006%). This variant has not been reported in the literature in individuals affected with USH2A-related conditions. ClinVar contains an entry for this variant (Variation ID: 1476482). Algorithms developed to predict the effect of sequence changes on RNA splicing suggest that this variant may disrupt the consensus splice site. In summary, the available evidence is currently insufficient to determine the role of this variant in disease. Therefore, it has been classified as a Variant of Uncertain Significance.

NM_206933.4(USH2A):c.4082-9C>A

Genes: USH2A-AS1 (USH2A antisense RNA 1; plus strand), USH2A (usherin; minus strand). Cytogenetic location: 1q41.
Variant type: single nucleotide variant.
Coding change: c.4082-9C>A on transcript NM_206933.4 (MANE Select); 9 bases into the intron before coding-DNA position 4082, C replaced by A.
Molecular consequence: intron variant.
Genome position (GRCh38, 1-based): chr1:216,196,731, G>T on the plus strand (C>A on the coding strand, the complement: USH2A is on the minus strand). VCF-style: chr1-216196731-G-T. GRCh37 (hg19) VCF-style: chr1-216370073-G-T.
Other names: c.4082-9C>A (NM_007123.6).
Identifiers: ClinVar variation 1476482 (VCV001476482.5), dbSNP rs771412392, ClinGen allele CA1395811.
Genomic context (GRCh38, chr1:216,196,731, plus strand): 5'-AGAGAGTACGAAGAGAGGGGAAAGACTGAAGGAGGGATCATGAATACAGGTGCTATCAAT[G>T]AGAACAATAACAATAACATCAAAACAATGAATGTCGTCCCTATATATTTTTAAATTTAAT-3'